The following is an entry in ClinVar:

ClinVar aggregate classification (germline): Uncertain significance (1 of 4 stars; one submission).

Conditions:
NPHP4-related disorder. Also called: NPHP4-related disorders; NPHP4-related condition. Identifiers: MedGen CN239384.

gnomAD v4.1: 13 of 1,596,114 alleles (0.00081%); highest among the groups gnomAD compares: East Asian, 0.0091%; no homozygotes.

Submission:

PreventionGenetics, part of Exact Sciences
Classification: Uncertain significance for NPHP4-related condition. Last evaluated: 2025-08-15. Review status: criteria provided, single submitter. Criteria: ACMG Guidelines, 2015. Collection method: clinical testing. Allele origin: germline.
Comment: The NPHP4 c.3853G>A variant is predicted to result in the amino acid substitution p.Gly1285Arg. To our knowledge, this variant has not been reported in the literature. This variant is reported in 0.023% of alleles in individuals of East Asian descent in gnomAD. At this time, the clinical significance of this variant is uncertain due to the absence of conclusive functional and genetic evidence.

NM_015102.5(NPHP4):c.3853G>A (p.Gly1285Arg)

Gene: NPHP4 (nephrocystin 4; minus strand). Cytogenetic location: 1p36.31.
Variant type: single nucleotide variant.
Coding change: c.3853G>A on transcript NM_015102.5 (MANE Select); coding-DNA position 3853, G replaced by A.
Protein change: p.Gly1285Arg; replaces glycine 1285 with arginine.
Molecular consequence: missense variant. On other transcripts: non-coding transcript variant (1).
Genome position (GRCh38, 1-based): chr1:5,864,481, C>T on the plus strand (G>A on the coding strand, the complement: NPHP4 is on the minus strand). VCF-style: chr1-5864481-C-T. GRCh37 (hg19) VCF-style: chr1-5924541-C-T.
Other names: c.2314G>A, p.Gly772Arg (NM_001291593.2); c.2317G>A, p.Gly773Arg (NM_001291594.2); short protein forms G773R, G1285R, G772R.
Identifiers: ClinVar variation 4994327 (VCV004994327.1).
Genomic context (GRCh38, chr1:5,864,481, plus strand): 5'-GATGGACAAAGCGGCTGCCGGCCCTAAGGGGCCTCACGCCAACATGCAGGTCCTGCACCC[C>T]ACGAGGCGGCAGCACGAAGACACCTTTGGGGTCTGTCTTCAAGAGCGAGAGAGGCGGGTC-3'
Protein context (NP_055917.1, residues 1275-1295): PKGVFVLPPR[Gly1285Arg]VQDLHVGVRP